The following is an entry in ClinVar:

NM_001388067.1(MIPOL1):c.311C>T (p.Thr104Ile)

Gene: MIPOL1 (mirror-image polydactyly 1; plus strand). Cytogenetic location: 14q13.3.
Variant type: single nucleotide variant.
Coding change: c.311C>T on transcript NM_001388067.1 (MANE Select); coding-DNA position 311, C replaced by T.
Protein change: p.Thr104Ile; replaces threonine 104 with isoleucine.
Molecular consequence: missense variant.
Genome position (GRCh38, 1-based): chr14:37,268,717, C>T. VCF-style: chr14-37268717-C-T. GRCh37 (hg19) VCF-style: chr14-37737922-C-T.
Other names: c.311C>T, p.Thr104Ile (NM_001195296.2, NM_001195297.2, NM_001388068.1 and 4 more transcripts); c.218C>T, p.Thr73Ile (NM_001388070.1, NM_001388071.1, NM_001388072.1 and 2 more transcripts); short protein forms T104I, T73I.
Identifiers: ClinVar variation 4977811 (VCV004977811.1).

ClinVar aggregate classification (germline): Likely benign (1 of 4 stars; one submission).

Conditions:
MIPOL1-related disorder. Also called: MIPOL1-related condition.

gnomAD v4.1: 147 of 1,601,394 alleles (0.0092%); highest among the groups gnomAD compares: African/African-American, 0.17%; no homozygotes.

Submission:

PreventionGenetics, part of Exact Sciences
Classification: Likely benign for MIPOL1-related condition. Last evaluated: 2026-02-19. Review status: criteria provided, single submitter. Criteria: ACMG Guidelines, 2015. Collection method: clinical testing. Allele origin: germline.
Comment: This variant is classified as likely benign based on ACMG/AMP sequence variant interpretation guidelines (Richards et al. 2015 PMID: 25741868, with internal and published modifications).